The following is an entry in ClinVar:

NM_001382.4(DPAGT1):c.*427T>G

Gene: DPAGT1 (dolichyl-phosphate N-acetylglucosaminephosphotransferase 1; minus strand). Cytogenetic location: 11q23.3.
Variant type: single nucleotide variant.
Coding change: c.*427T>G on transcript NM_001382.4 (MANE Select); 427 bases downstream of the stop codon, T replaced by G.
Molecular consequence: 3 prime UTR variant.
Genome position (GRCh38, 1-based): chr11:119,096,571, A>C on the plus strand (T>G on the coding strand, the complement: DPAGT1 is on the minus strand). VCF-style: chr11-119096571-A-C. GRCh37 (hg19) VCF-style: chr11-118967281-A-C.
Identifiers: ClinVar variation 302740 (VCV000302740.7), dbSNP rs28990975, ClinGen allele CA10637348.

ClinVar aggregate classification (germline): Likely benign. Review status: criteria provided, multiple submitters, no conflicts (2 of 4 stars). 2 submissions from 2 submitters: Likely benign (2). Last evaluated 2021-05-24.

Conditions:
DPAGT1-congenital disorder of glycosylation. Also called: CONGENITAL DISORDER OF GLYCOSYLATION, TYPE Ij; CDG Ij; DPAGT1-CDG. Identifiers: Orphanet 86309, MedGen C2931004, MONDO:0011964, OMIM 608093.

Allele frequency attached by ClinVar (database versions not stated): gnomAD exomes 0.00455; 1000 Genomes Project 0.01098; 1000 Genomes Project 30x 0.01140; gnomAD 0.01322 and 0.01379; TOPMed 0.01450.
gnomAD v4.1: 2,620 of 289,840 alleles (0.9%); highest among the groups gnomAD compares: African/African-American, 3.6%; 42 homozygotes.

Submissions (2):

GeneDx
Classification: Likely benign. Last evaluated: 2021-05-24. Review status: criteria provided, single submitter. Criteria: GeneDx Variant Classification Process June 2021. Collection method: clinical testing. Allele origin: germline. Affected: yes.

Illumina Laboratory Services, Illumina
Classification: Likely benign for DPAGT1-congenital disorder of glycosylation. Last evaluated: 2018-01-12. Review status: criteria provided, single submitter. Criteria: ICSL Variant Classification Criteria 13 December 2019. Collection method: clinical testing. Allele origin: germline.
Comment: This variant was observed in the ICSL laboratory as part of a predisposition screen in an ostensibly healthy population. It had not been previously curated by ICSL or reported in the Human Gene Mutation Database (HGMD: prior to June 1st, 2018), and was therefore a candidate for classification through an automated scoring system. Utilizing variant allele frequency, disease prevalence and penetrance estimates, and inheritance mode, an automated score was calculated to assess if this variant is too frequent to cause the disease. Based on the score and internal cut-off values, a variant classified as likely benign is not then subjected to further curation. The score for this variant resulted in a classification of likely benign for this disease.